The following is an entry in ClinVar:

ClinVar aggregate classification (germline): Uncertain significance (1 of 4 stars; one submission).

Conditions:
Jeune thoracic dystrophy. Also called: Jeune syndrome; Infantile thoracic dystrophy; Thoracic pelvic phalangeal dystrophy; Jeune's syndrome; Chondroectodermal dysplasia-like syndrome; Short-rib thoracic dysplasia. Identifiers: Orphanet 474, MedGen C0265275, MONDO:0018770.
Nephronophthisis. Also called: Juvenile Nephronophthisis. Identifiers: Orphanet 655, MedGen C0687120, MONDO:0019005, HP:0000090.

Allele frequency attached by ClinVar (database versions not stated): gnomAD 0.00001.
gnomAD v4.1: 1 of 1,612,692 alleles (0.000062%); highest among the groups gnomAD compares: Non-Finnish European, 0.000085%; no homozygotes.

Submission:

Labcorp Genetics (formerly Invitae), Labcorp
Classification: Uncertain significance for Jeune thoracic dystrophy; Nephronophthisis. Last evaluated: 2022-05-04. Review status: criteria provided, single submitter. Criteria: Invitae Variant Classification Sherloc (09022015). Collection method: clinical testing. Allele origin: germline.
Comment: In summary, the available evidence is currently insufficient to determine the role of this variant in disease. Therefore, it has been classified as a Variant of Uncertain Significance. Algorithms developed to predict the effect of missense changes on protein structure and function output the following: SIFT: "Tolerated"; PolyPhen-2: "Benign"; Align-GVGD: "Class C0". The serine amino acid residue is found in multiple mammalian species, which suggests that this missense change does not adversely affect protein function. This variant has not been reported in the literature in individuals affected with TTC21B-related conditions. This variant is present in population databases (no rsID available, gnomAD 0.007%). This sequence change replaces asparagine, which is neutral and polar, with serine, which is neutral and polar, at codon 385 of the TTC21B protein (p.Asn385Ser).

NM_024753.5(TTC21B):c.1154A>G (p.Asn385Ser)

Gene: TTC21B (tetratricopeptide repeat domain 21B; minus strand). Cytogenetic location: 2q24.3.
Variant type: single nucleotide variant.
Coding change: c.1154A>G on transcript NM_024753.5 (MANE Select); coding-DNA position 1154, A replaced by G.
Protein change: p.Asn385Ser; replaces asparagine 385 with serine.
Molecular consequence: missense variant.
Genome position (GRCh38, 1-based): chr2:165,929,681, T>C on the plus strand (A>G on the coding strand, the complement: TTC21B is on the minus strand). VCF-style: chr2-165929681-T-C. GRCh37 (hg19) VCF-style: chr2-166786191-T-C.
Other names: short protein forms N385S.
Identifiers: ClinVar variation 2133919 (VCV002133919.4), dbSNP rs1289658729, ClinGen allele CA349066105.
Genomic context (GRCh38, chr2:165,929,681, plus strand): 5'-CTACCAGCTGATAAAATAAAATACTGTACCGCAGATTTTCCAATGGATTGCTGGATTTCA[T>C]TTAAAAATTCTAGCTGCTGATCTGCATCCTGTAATTGCCCTTCTATCAACTGACATTGGA-3'
Protein context (NP_079029.3, residues 375-395): QDADQQLEFL[Asn385Ser]EIQQSIGKSA